The following is an entry in ClinVar:

NM_001330700.2(TOP2B):c.121A>G (p.Asn41Asp)

Gene: TOP2B (DNA topoisomerase II beta; minus strand). Cytogenetic location: 3p24.2.
Variant type: single nucleotide variant.
Coding change: c.121A>G on transcript NM_001330700.2 (MANE Select); coding-DNA position 121, A replaced by G.
Protein change: p.Asn41Asp; replaces asparagine 41 with aspartic acid.
Molecular consequence: missense variant.
Genome position (GRCh38, 1-based): chr3:25,645,419, T>C on the plus strand (A>G on the coding strand, the complement: TOP2B is on the minus strand). VCF-style: chr3-25645419-T-C. GRCh37 (hg19) VCF-style: chr3-25686910-T-C.
Other names: c.106A>G, p.Asn36Asp (NM_001068.3); short protein forms N41D, N36D.
Identifiers: ClinVar variation 1415054 (VCV001415054.6), dbSNP rs748068791, ClinGen allele CA2288976.

ClinVar aggregate classification (germline): Uncertain significance (1 of 4 stars; one submission).

Allele frequency attached by ClinVar (database versions not stated): gnomAD exomes below 0.00001 and 0.00001; ExAC 0.00001; gnomAD 0.00001; TOPMed 0.00001.
gnomAD v4.1: 5 of 1,613,674 alleles (0.00031%); highest among the groups gnomAD compares: South Asian, 0.0022%; no homozygotes.

Submission:

Labcorp Genetics (formerly Invitae), Labcorp
Classification: Uncertain significance. Last evaluated: 2024-02-19. Review status: criteria provided, single submitter. Criteria: Invitae Variant Classification Sherloc (09022015). Collection method: clinical testing. Allele origin: germline.
Comment: This sequence change replaces asparagine, which is neutral and polar, with aspartic acid, which is acidic and polar, at codon 36 of the TOP2B protein (p.Asn36Asp). This variant is present in population databases (rs748068791, gnomAD 0.003%). This variant has not been reported in the literature in individuals affected with TOP2B-related conditions. ClinVar contains an entry for this variant (Variation ID: 1415054). An algorithm developed to predict the effect of missense changes on protein structure and function (PolyPhen-2) suggests that this variant is likely to be tolerated. In summary, the available evidence is currently insufficient to determine the role of this variant in disease. Therefore, it has been classified as a Variant of Uncertain Significance.